The following is an entry in ClinVar:

ClinVar aggregate classification (germline): Uncertain significance (1 of 4 stars; one submission).

Allele frequency attached by ClinVar (database versions not stated): ExAC 0.00001; gnomAD exomes 0.00001.
gnomAD v4.1: 9 of 1,612,314 alleles (0.00056%); highest among the groups gnomAD compares: Non-Finnish European, 0.00059%; no homozygotes.

Submission:

GeneDx
Classification: Uncertain significance. Last evaluated: 2022-06-02. Review status: criteria provided, single submitter. Criteria: GeneDx Variant Classification Process June 2021. Collection method: clinical testing. Allele origin: germline. Affected: yes.
Comment: Not observed at significant frequency in large population cohorts (gnomAD); Missense variant in a gene in which most reported pathogenic variants are truncating/loss of function; Has not been previously published as pathogenic or benign to our knowledge; This variant is associated with the following publications: (PMID: 23975875)

NM_001267550.2(TTN):c.63742C>T (p.Leu21248Phe)

Genes: TTN (titin; minus strand), TTN-AS1 (TTN antisense RNA 1; plus strand). Cytogenetic location: 2q31.2.
Variant type: single nucleotide variant.
Coding change: c.63742C>T on transcript NM_001267550.2 (MANE Select); coding-DNA position 63742, C replaced by T.
Protein change: p.Leu21248Phe; replaces leucine 21248 with phenylalanine.
Molecular consequence: missense variant.
Genome position (GRCh38, 1-based): chr2:178,587,567, G>A on the plus strand (C>T on the coding strand, the complement: TTN is on the minus strand). VCF-style: chr2-178587567-G-A. GRCh37 (hg19) VCF-style: chr2-179452294-G-A.
Other names: c.58819C>T, p.Leu19607Phe (NM_001256850.1); c.36547C>T, p.Leu12183Phe (NM_003319.4); c.56038C>T, p.Leu18680Phe (NM_133378.4); c.36922C>T, p.Leu12308Phe (NM_133432.3); c.37123C>T, p.Leu12375Phe (NM_133437.4); short protein forms L12183F, L12308F, L12375F, L18680F, L19607F, L21248F.
Identifiers: ClinVar variation 1802032 (VCV001802032.1), dbSNP rs771468174, ClinGen allele CA1992035.